The following is an entry in ClinVar:

NM_004183.4(BEST1):c.255C>T (p.Tyr85=)

Gene: BEST1 (bestrophin 1; plus strand). Cytogenetic location: 11q12.3.
Variant type: single nucleotide variant.
Coding change: c.255C>T on transcript NM_004183.4 (MANE Select); coding-DNA position 255, C replaced by T.
Protein change: p.Tyr85=; no amino-acid change (tyrosine 85 retained).
Molecular consequence: synonymous variant. On other transcripts: 5 prime UTR variant (2), non-coding transcript variant (1).
Genome position (GRCh38, 1-based): chr11:61,955,725, C>T. VCF-style: chr11-61955725-C-T. GRCh37 (hg19) VCF-style: chr11-61723197-C-T.
Other names: c.75C>T, p.Tyr25= (NM_001139443.3, NM_001300786.2, NM_001300787.2 and 3 more transcripts); c.-64C>T (NM_001363591.3); c.255C>T, p.Tyr85= (NM_001363592.2, NM_001440571.1, NM_001440572.1 and 1 more transcripts); c.-921C>T (NM_001363593.3).
Identifiers: ClinVar variation 5020444 (VCV005020444.1).

ClinVar aggregate classification (germline): Uncertain significance (1 of 4 stars; one submission).

gnomAD v4.1: 1 of 1,509,658 alleles (0.000066%); highest among the groups gnomAD compares: Non-Finnish European, 0.00009%; no homozygotes.

Submission:

Dasa
Classification: Uncertain significance. Last evaluated: 2026-08-13. Review status: criteria provided, single submitter. Criteria: DASA Assertion Criteria. Collection method: clinical testing. Allele origin: germline.
Comment: NM_004183.4(BEST1):c.255C>T (p.Tyr85=) is a synonymous variant predicted not to alter the encoded amino acid sequence. This variant is rare in population databases. Computational prediction algorithms are consistent with a deleterious effect. The currently available literature and clinical evidence are not sufficient to establish a definitive association between this variant and the reported condition. Therefore, this variant is classified as a variant of uncertain significance.